The following is an entry in ClinVar:

ClinVar aggregate classification (germline): Uncertain significance. Review status: criteria provided, multiple submitters, no conflicts (2 of 4 stars). 2 submissions from 2 submitters: Uncertain significance (2). Last evaluated 2025-01-31.

Conditions:
Fanconi anemia (FA). Also called: Fanconi's anemia. Identifiers: Orphanet 84, MedGen C0015625, MeSH D005199, MONDO:0019391.
Fanconi anemia complementation group I (FANCI). Also called: FANCI-Related Fanconi Anemia. Identifiers: Orphanet 84, MedGen C1836861, MONDO:0012186, OMIM 609053.

Allele frequency attached by ClinVar (database versions not stated): gnomAD 0.00001 and 0.00003; TOPMed 0.00001; gnomAD exomes 0.00005; ExAC 0.00007; 1000 Genomes Project 30x 0.00016; 1000 Genomes Project 0.00020.
gnomAD v4.1: 49 of 1,605,334 alleles (0.0031%); highest among the groups gnomAD compares: South Asian, 0.027%; no homozygotes.

Submissions (2):

Labcorp Genetics (formerly Invitae), Labcorp
Classification: Uncertain significance for Fanconi anemia. Last evaluated: 2025-01-31. Review status: criteria provided, single submitter. Criteria: Invitae Variant Classification Sherloc (09022015). Collection method: clinical testing. Allele origin: germline.
Comment: This sequence change replaces asparagine, which is neutral and polar, with serine, which is neutral and polar, at codon 302 of the FANCI protein (p.Asn302Ser). This variant is present in population databases (rs575416245, gnomAD 0.02%). This variant has not been reported in the literature in individuals affected with FANCI-related conditions. ClinVar contains an entry for this variant (Variation ID: 238331). An algorithm developed to predict the effect of missense changes on protein structure and function outputs the following: PolyPhen-2: "Benign". The serine amino acid residue is found in multiple mammalian species, which suggests that this missense change does not adversely affect protein function. In summary, the available evidence is currently insufficient to determine the role of this variant in disease. Therefore, it has been classified as a Variant of Uncertain Significance.

Fulgent Genetics
Classification: Uncertain significance for Fanconi anemia complementation group I. Last evaluated: 2021-12-31. Review status: criteria provided, single submitter. Criteria: ACMG Guidelines, 2015. Collection method: clinical testing. Allele origin: unknown.

NM_001113378.2(FANCI):c.905A>G (p.Asn302Ser)

Gene: FANCI (FA complementation group I; plus strand). Cytogenetic location: 15q26.1.
Variant type: single nucleotide variant.
Coding change: c.905A>G on transcript NM_001113378.2 (MANE Select); coding-DNA position 905, A replaced by G.
Protein change: p.Asn302Ser; replaces asparagine 302 with serine.
Molecular consequence: missense variant.
Genome position (GRCh38, 1-based): chr15:89,273,399, A>G. VCF-style: chr15-89273399-A-G. GRCh37 (hg19) VCF-style: chr15-89816630-A-G.
Other names: c.626A>G, p.Asn209Ser (NM_001376910.1); c.905A>G, p.Asn302Ser (NM_001376911.1, NM_018193.3); short protein forms N302S, N209S.
Identifiers: ClinVar variation 238331 (VCV000238331.8), dbSNP rs575416245, ClinGen allele CA7722832.